The following is an entry in ClinVar:

NM_018117.12(WDR11):c.2104G>A (p.Ala702Thr)

Gene: WDR11 (WD repeat domain 11; plus strand). Cytogenetic location: 10q26.12.
Variant type: single nucleotide variant.
Coding change: c.2104G>A on transcript NM_018117.12 (MANE Select); coding-DNA position 2104, G replaced by A.
Protein change: p.Ala702Thr; replaces alanine 702 with threonine.
Molecular consequence: missense variant.
Genome position (GRCh38, 1-based): chr10:120,886,819, G>A. VCF-style: chr10-120886819-G-A. GRCh37 (hg19) VCF-style: chr10-122646331-G-A.
Other names: short protein forms A702T.
Identifiers: ClinVar variation 2712695 (VCV002712695.3), dbSNP rs1473909656, ClinGen allele CA378329042.

ClinVar aggregate classification (germline): Uncertain significance (1 of 4 stars; one submission).

Allele frequency attached by ClinVar (database versions not stated): gnomAD 0.00001; gnomAD exomes 0.00001; TOPMed 0.00001.
gnomAD v4.1: 5 of 1,613,952 alleles (0.00031%); highest among the groups gnomAD compares: Admixed American, 0.005%; no homozygotes.

Submission:

Labcorp Genetics (formerly Invitae), Labcorp
Classification: Uncertain significance. Last evaluated: 2024-01-25. Review status: criteria provided, single submitter. Criteria: Invitae Variant Classification Sherloc (09022015). Collection method: clinical testing. Allele origin: germline.
Comment: This sequence change replaces alanine, which is neutral and non-polar, with threonine, which is neutral and polar, at codon 702 of the WDR11 protein (p.Ala702Thr). This variant is present in population databases (no rsID available, gnomAD 0.006%). This variant has not been reported in the literature in individuals affected with WDR11-related conditions. An algorithm developed to predict the effect of missense changes on protein structure and function (PolyPhen-2) suggests that this variant is likely to be tolerated. In summary, the available evidence is currently insufficient to determine the role of this variant in disease. Therefore, it has been classified as a Variant of Uncertain Significance.